The following is an entry in ClinVar:

ClinVar aggregate classification (germline): Benign/Likely benign. Review status: criteria provided, multiple submitters, no conflicts (2 of 4 stars). 2 submissions from 2 submitters: Benign (1); Likely benign (1). Last evaluated 2026-05-15.

Conditions:
Neurofibromatosis, type 1 (NF1). Also called: VON RECKLINGHAUSEN DISEASE; NEUROFIBROMATOSIS, TYPE I, SOMATIC; Neurofibromatosis, type I; Peripheral type neurofibromatosis. Identifiers: Orphanet 636, MedGen C0027831, MONDO:0018975, OMIM 162200. Disease mechanism: loss of function.

Allele frequency attached by ClinVar (database versions not stated): ESP Exome Variant Server 0.00008; TOPMed 0.00001.
gnomAD v4.1: 9 of 1,582,158 alleles (0.00057%); highest among the groups gnomAD compares: Non-Finnish European, 0.00069%; no homozygotes.

Submissions (2):

Myriad Genetics, Inc.
Classification: Benign for Neurofibromatosis, type 1. Last evaluated: 2026-05-15. Review status: criteria provided, single submitter. Criteria: Myriad Autosomal Dominant, Autosomal Recessive and X-Linked Classification Criteria (2023). Collection method: clinical testing. Allele origin: unknown.
Comment: This variant is considered benign. This variant is intronic and is not expected to impact mRNA splicing.

Labcorp Genetics (formerly Invitae), Labcorp
Classification: Likely benign for Neurofibromatosis, type 1. Last evaluated: 2026-01-10. Review status: criteria provided, single submitter. Criteria: Invitae Variant Classification Sherloc (09022015). Collection method: clinical testing. Allele origin: germline.

NM_001042492.3(NF1):c.1260+19G>C

Gene: NF1 (neurofibromin 1; plus strand). Cytogenetic location: 17q11.2.
Variant type: single nucleotide variant.
Coding change: c.1260+19G>C on transcript NM_001042492.3 (MANE Select); 19 bases into the intron after coding-DNA position 1260, G replaced by C.
Molecular consequence: intron variant.
Genome position (GRCh38, 1-based): chr17:31,201,504, G>C. VCF-style: chr17-31201504-G-C. GRCh37 (hg19) VCF-style: chr17-29528522-G-C.
Other names: c.1260+19G>C (NM_000267.4, NM_001128147.3).
Identifiers: ClinVar variation 1651207 (VCV001651207.9), dbSNP rs373341575, ClinGen allele CA8485721.
Genomic context (GRCh38, chr17:31,201,504, plus strand): 5'-CACTATGTGCTGGTAAATTCACTCCATCGAATCATCACCAATGTAAGTCCAAAAGGTATT[G>C]CTAAATTACTAAAAAAATTTTTTTCTTTCTTTTCTTTGCGTATTTCTTTTTAAGAAATGC-3'